The following is an entry in ClinVar:

NM_024408.4(NOTCH2):c.6574C>T (p.Pro2192Ser)

Gene: NOTCH2 (notch receptor 2; minus strand). Cytogenetic location: 1p12.
Variant type: single nucleotide variant.
Coding change: c.6574C>T on transcript NM_024408.4 (MANE Select); coding-DNA position 6574, C replaced by T.
Protein change: p.Pro2192Ser; replaces proline 2192 with serine.
Molecular consequence: missense variant.
Genome position (GRCh38, 1-based): chr1:119,916,148, G>A on the plus strand (C>T on the coding strand, the complement: NOTCH2 is on the minus strand). VCF-style: chr1-119916148-G-A. GRCh37 (hg19) VCF-style: chr1-120458771-G-A.
Other names: short protein forms P2192S.
Identifiers: ClinVar variation 3901826 (VCV003901826.1).

ClinVar aggregate classification (germline): Uncertain significance (1 of 4 stars; one submission).

Submission:

GeneDx
Classification: Uncertain significance. Last evaluated: 2024-12-03. Review status: criteria provided, single submitter. Criteria: GeneDx Variant Classification Process June 2021. Collection method: clinical testing. Allele origin: germline. Affected: yes.
Comment: Not observed at significant frequency in large population cohorts (gnomAD); In silico analysis indicates that this missense variant does not alter protein structure/function; Has not been previously published as pathogenic or benign to our knowledge